The following is an entry in ClinVar:

ClinVar aggregate classification (germline): Uncertain significance (1 of 4 stars; one submission).

Conditions:
Inborn genetic diseases. Identifiers: MedGen C0950123, MeSH D030342.

Submission:

Ambry Genetics
Classification: Uncertain significance for Inborn genetic diseases. Last evaluated: 2023-02-09. Review status: criteria provided, single submitter. Criteria: Ambry Variant Classification Scheme 2023. Collection method: clinical testing. Allele origin: germline.
Comment: The p.R1272K variant (also known as c.3815G>A), located in coding exon 20 of the ATR gene, results from a G to A substitution at nucleotide position 3815. The arginine at codon 1272 is replaced by lysine, an amino acid with highly similar properties. This amino acid position is conserved. In addition, the in silico prediction for this alteration is inconclusive. Since supporting evidence is limited at this time, the clinical significance of this alteration remains unclear.

NM_001184.4(ATR):c.3815G>A (p.Arg1272Lys)

Gene: ATR (ATR checkpoint kinase; minus strand). Cytogenetic location: 3q23.
Variant type: single nucleotide variant.
Coding change: c.3815G>A on transcript NM_001184.4 (MANE Select); coding-DNA position 3815, G replaced by A.
Protein change: p.Arg1272Lys; replaces arginine 1272 with lysine.
Molecular consequence: missense variant.
Genome position (GRCh38, 1-based): chr3:142,536,112, C>T on the plus strand (G>A on the coding strand, the complement: ATR is on the minus strand). VCF-style: chr3-142536112-C-T. GRCh37 (hg19) VCF-style: chr3-142254954-C-T.
Other names: c.3623G>A, p.Arg1208Lys (NM_001354579.2); short protein forms R1208K, R1272K.
Identifiers: ClinVar variation 2496637 (VCV002496637.2), dbSNP rs2473309013, ClinGen allele CA354806594.
Genomic context (GRCh38, chr3:142,536,112, plus strand): 5'-CTTGGGAACAATTCTGTATTAATGATCTCCTAAACCACAAATTAAAAATTAAATACCTTT[C>T]TGTATTCCTGGAGAACGGCTTTTATCTTTTTTAATTCTGGATGATCAGGTAAAAAATATA-3'
Protein context (NP_001175.2, residues 1262-1282): KKIKAVLQEY[Arg1272Lys]KETSESTDLQ